The following is an entry in ClinVar:

NM_001927.4(DES):c.190G>A (p.Gly64Arg)

Gene: DES (desmin; plus strand). Cytogenetic location: 2q35.
Variant type: single nucleotide variant.
Coding change: c.190G>A on transcript NM_001927.4 (MANE Select); coding-DNA position 190, G replaced by A.
Protein change: p.Gly64Arg; replaces glycine 64 with arginine.
Molecular consequence: missense variant.
Genome position (GRCh38, 1-based): chr2:219,418,652, G>A. VCF-style: chr2-219418652-G-A. GRCh37 (hg19) VCF-style: chr2-220283374-G-A.
Other names: c.190G>A, p.Gly64Arg (NM_001382708.1, NM_001382709.1, NM_001382710.1 and 3 more transcripts); short protein forms G64R.
Identifiers: ClinVar variation 1782483 (VCV001782483.2), dbSNP rs2545246490, ClinGen allele CA350683767.

ClinVar aggregate classification (germline): Uncertain significance (1 of 4 stars; one submission).

Conditions:
Cardiovascular phenotype. Identifiers: MedGen CN230736.

Submission:

Ambry Genetics
Classification: Uncertain significance for Cardiovascular phenotype. Last evaluated: 2021-10-27. Review status: criteria provided, single submitter. Criteria: Ambry Variant Classification Scheme 2023. Collection method: clinical testing. Allele origin: germline.
Comment: The p.G64R variant (also known as c.190G>A), located in coding exon 1 of the DES gene, results from a G to A substitution at nucleotide position 190. The glycine at codon 64 is replaced by arginine, an amino acid with dissimilar properties. This amino acid position is well conserved in available vertebrate species. In addition, the in silico prediction for this alteration is inconclusive. Since supporting evidence is limited at this time, the clinical significance of this alteration remains unclear.